The following is an entry in ClinVar:

NM_001008212.2(OPTN):c.626+4T>C

Gene: OPTN (optineurin; plus strand). Cytogenetic location: 10p13.
Variant type: single nucleotide variant.
Coding change: c.626+4T>C on transcript NM_001008212.2 (MANE Select); 4 bases into the intron after coding-DNA position 626, T replaced by C.
Molecular consequence: intron variant.
Genome position (GRCh38, 1-based): chr10:13,116,344, T>C. VCF-style: chr10-13116344-T-C. GRCh37 (hg19) VCF-style: chr10-13158344-T-C.
Other names: c.626+4T>C (NM_001008211.1, NM_001008213.1, NM_021980.4).
Identifiers: ClinVar variation 848382 (VCV000848382.10), dbSNP rs1564360523, ClinGen allele CA592073904.

ClinVar aggregate classification (germline): Uncertain significance (1 of 4 stars; one submission).

Conditions:
Amyotrophic lateral sclerosis type 12 (ALS12). Also called: AMYOTROPHIC LATERAL SCLEROSIS 12 WITH OR WITHOUT FRONTOTEMPORAL DEMENTIA. Identifiers: Orphanet 803, MedGen C3150692, MONDO:0013264, OMIM 613435.
Primary open angle glaucoma (POAG). Also called: OPTN-related open angle glaucoma. Identifiers: MedGen C0339573, MONDO:0100553, OMIM 137760.
Glaucoma 1, open angle, E. Identifiers: MedGen C1842026, MONDO:0007665.

Allele frequency attached by ClinVar (database versions not stated): gnomAD exomes 0.00001.
gnomAD v4.1: 15 of 1,611,066 alleles (0.00093%); highest among the groups gnomAD compares: Admixed American, 0.0017%; no homozygotes.

Submission:

Labcorp Genetics (formerly Invitae), Labcorp
Classification: Uncertain significance for Primary open angle glaucoma; Glaucoma 1, open angle, E; Amyotrophic lateral sclerosis type 12. Last evaluated: 2024-09-29. Review status: criteria provided, single submitter. Criteria: Invitae Variant Classification Sherloc (09022015). Collection method: clinical testing. Allele origin: germline.
Comment: This sequence change falls in intron 5 of the OPTN gene. It does not directly change the encoded amino acid sequence of the OPTN protein. It affects a nucleotide within the consensus splice site. This variant is present in population databases (no rsID available, gnomAD 0.003%). This variant has not been reported in the literature in individuals affected with OPTN-related conditions. ClinVar contains an entry for this variant (Variation ID: 848382). Variants that disrupt the consensus splice site are a relatively common cause of aberrant splicing (PMID: 17576681, 9536098). Algorithms developed to predict the effect of sequence changes on RNA splicing suggest that this variant is not likely to affect RNA splicing. In summary, the available evidence is currently insufficient to determine the role of this variant in disease. Therefore, it has been classified as a Variant of Uncertain Significance.

Literature cited by the submitters: PubMed 17576681; PubMed 9536098.